The following is an entry in ClinVar:

NM_198271.5(LMOD3):c.777C>A (p.Asn259Lys)

Gene: LMOD3 (leiomodin 3; minus strand). Cytogenetic location: 3p14.1.
Variant type: single nucleotide variant.
Coding change: c.777C>A on transcript NM_198271.5 (MANE Select); coding-DNA position 777, C replaced by A.
Protein change: p.Asn259Lys; replaces asparagine 259 with lysine.
Molecular consequence: missense variant.
Genome position (GRCh38, 1-based): chr3:69,119,578, G>T on the plus strand (C>A on the coding strand, the complement: LMOD3 is on the minus strand). VCF-style: chr3-69119578-G-T. GRCh37 (hg19) VCF-style: chr3-69168729-G-T.
Other names: c.777C>A, p.Asn259Lys (NM_001304418.3); short protein forms N259K.
Identifiers: ClinVar variation 1471098 (VCV001471098.4), dbSNP rs2107526531, ClinGen allele CA353474772.

ClinVar aggregate classification (germline): Uncertain significance (1 of 4 stars; one submission).

Conditions:
Nemaline myopathy 10 (NEM10). Identifiers: MedGen C4015360, MONDO:0014513, OMIM 616165.

gnomAD v4.1: 1 of 1,613,718 alleles (0.000062%); highest among the groups gnomAD compares: Non-Finnish European, 0.000085%; no homozygotes.

Submission:

Labcorp Genetics (formerly Invitae), Labcorp
Classification: Uncertain significance for Nemaline myopathy 10. Last evaluated: 2021-08-07. Review status: criteria provided, single submitter. Criteria: Invitae Variant Classification Sherloc (09022015). Collection method: clinical testing. Allele origin: germline.
Comment: Algorithms developed to predict the effect of missense changes on protein structure and function (SIFT, PolyPhen-2, Align-GVGD) all suggest that this variant is likely to be disruptive. This variant has not been reported in the literature in individuals affected with LMOD3-related conditions. This variant is not present in population databases (ExAC no frequency). This sequence change replaces asparagine with lysine at codon 259 of the LMOD3 protein (p.Asn259Lys). The asparagine residue is highly conserved and there is a moderate physicochemical difference between asparagine and lysine. In summary, the available evidence is currently insufficient to determine the role of this variant in disease. Therefore, it has been classified as a Variant of Uncertain Significance.